The following is an entry in ClinVar:

NM_000355.4(TCN2):c.1195C>G (p.Arg399Gly)

Gene: TCN2 (transcobalamin 2; plus strand). Cytogenetic location: 22q12.2.
Variant type: single nucleotide variant.
Coding change: c.1195C>G on transcript NM_000355.4 (MANE Select); coding-DNA position 1195, C replaced by G.
Protein change: p.Arg399Gly; replaces arginine 399 with glycine.
Molecular consequence: missense variant.
Genome position (GRCh38, 1-based): chr22:30,623,056, C>G. VCF-style: chr22-30623056-C-G. GRCh37 (hg19) VCF-style: chr22-31019043-C-G.
Other names: c.1114C>G, p.Arg372Gly (NM_001184726.2); short protein forms R399G, R372G.
Identifiers: ClinVar variation 626029 (VCV000626029.6), dbSNP rs769817524, ClinGen allele CA411216764.

ClinVar aggregate classification (germline): Uncertain significance. Review status: criteria provided, multiple submitters, no conflicts (2 of 4 stars). 2 submissions from 2 submitters: Uncertain significance (2). Last evaluated 2024-11-04.

Conditions:
Transcobalamin II deficiency (TCN2D). Also called: TC II DEFICIENCY; TCN2 DEFICIENCY; Transcolabamin II deficiency. Identifiers: Orphanet 859, MedGen C0342701, MONDO:0010149, OMIM 275350.

Submissions (2):

Labcorp Genetics (formerly Invitae), Labcorp
Classification: Uncertain significance for Transcobalamin II deficiency. Last evaluated: 2024-11-04. Review status: criteria provided, single submitter. Criteria: Invitae Variant Classification Sherloc (09022015). Collection method: clinical testing. Allele origin: germline.
Comment: This sequence change replaces arginine, which is basic and polar, with glycine, which is neutral and non-polar, at codon 399 of the TCN2 protein (p.Arg399Gly). This variant is not present in population databases (gnomAD no frequency). This variant has not been reported in the literature in individuals affected with TCN2-related conditions. ClinVar contains an entry for this variant (Variation ID: 626029). Invitae Evidence Modeling of protein sequence and biophysical properties (such as structural, functional, and spatial information, amino acid conservation, physicochemical variation, residue mobility, and thermodynamic stability) indicates that this missense variant is expected to disrupt TCN2 protein function with a positive predictive value of 80%. In summary, the available evidence is currently insufficient to determine the role of this variant in disease. Therefore, it has been classified as a Variant of Uncertain Significance.

Center for Genomics, Ann and Robert H. Lurie Children's Hospital of Chicago
Classification: Uncertain significance for Transcobalamin II deficiency. Last evaluated: 2021-03-30. Review status: criteria provided, single submitter. Criteria: ACMG Guidelines, 2015. Collection method: clinical testing. Allele origin: germline.
Comment: TCN2 NM_000355.3 exon 8 p.Arg399Gly (c.1195C>G): This variant has not been reported in the literature, and it is not present in large control databases. Evolutionary conservation and computational predictive tools for this variant are unclear. In summary, data on this variant are insufficient for disease classification. Therefore, the clinical significance of this variant is uncertain.